The following is an entry in ClinVar:

ClinVar aggregate classification (germline): Uncertain significance (1 of 4 stars; one submission).

Submission:

Labcorp Genetics (formerly Invitae), Labcorp
Classification: Uncertain significance. Last evaluated: 2024-07-10. Review status: criteria provided, single submitter. Criteria: Invitae Variant Classification Sherloc (09022015). Collection method: clinical testing. Allele origin: germline.
Comment: This sequence change replaces proline, which is neutral and non-polar, with leucine, which is neutral and non-polar, at codon 343 of the CSF2RB protein (p.Pro343Leu). This variant is not present in population databases (gnomAD no frequency). This variant has not been reported in the literature in individuals affected with CSF2RB-related conditions. Advanced modeling of protein sequence and biophysical properties (such as structural, functional, and spatial information, amino acid conservation, physicochemical variation, residue mobility, and thermodynamic stability) performed at Invitae indicates that this missense variant is expected to disrupt CSF2RB protein function with a positive predictive value of 80%. In summary, the available evidence is currently insufficient to determine the role of this variant in disease. Therefore, it has been classified as a Variant of Uncertain Significance.

NM_000395.3(CSF2RB):c.1028C>T (p.Pro343Leu)

Gene: CSF2RB (colony stimulating factor 2 receptor subunit beta; plus strand). Cytogenetic location: 22q12.3.
Variant type: single nucleotide variant.
Coding change: c.1028C>T on transcript NM_000395.3 (MANE Select); coding-DNA position 1028, C replaced by T.
Protein change: p.Pro343Leu; replaces proline 343 with leucine.
Molecular consequence: missense variant.
Genome position (GRCh38, 1-based): chr22:36,932,780, C>T. VCF-style: chr22-36932780-C-T. GRCh37 (hg19) VCF-style: chr22-37328822-C-T.
Other names: c.1046C>T, p.Pro349Leu (NM_001410827.1); short protein forms P343L, P349L.
Identifiers: ClinVar variation 3606605 (VCV003606605.2).